The following is an entry in ClinVar:

ClinVar aggregate classification (germline): Uncertain significance (1 of 4 stars; one submission).

Submission:

GeneDx
Classification: Uncertain significance. Last evaluated: 2017-11-30. Review status: criteria provided, single submitter. Criteria: GeneDx Variant Classification (06012015). Collection method: clinical testing. Allele origin: germline. Affected: yes.
Comment: The c.8959dupG variant in the FAT1 gene has not been reported previously as a pathogenic variant nor as a benign variant, to our knowledge. The c.8959dupG variant causes a frameshift starting with codon Glutamic acid 2987, changes this amino acid to a Glycine residue, and creates a premature Stop codon at position 14 of the new reading frame, denoted p.Glu2987GlyfsX14. This variant is predicted to cause loss of normal protein function either through protein truncation or nonsense-mediated mRNA decay. The c.8959dupG variant is not observed in large population cohorts (Lek et al., 2016).

NM_005245.4(FAT1):c.8959dup (p.Glu2987fs)

Genes: FAT1 (FAT atypical cadherin 1; minus strand), LOC126807255 (BRD4-independent group 4 enhancer GRCh37_chr4:187538202-187539401; plus strand). Cytogenetic location: 4q35.2.
Variant type: Duplication.
Coding change: c.8959dup on transcript NM_005245.4 (MANE Select); coding-DNA position 8959, one base duplicated (G; older notation c.8959dupG).
Protein change: p.Glu2987fs; shifts the reading frame from glutamic acid 2987.
Molecular consequence: frameshift variant.
Genome position (GRCh38, 1-based): chr4:186,617,121, C duplicated on the plus strand (G on the coding strand, the reverse complement: FAT1 is on the minus strand); the first of 3 consecutive C bases (chr4:186,617,121-186,617,123); duplicating any one gives the same sequence. VCF-style (leftmost placement, unchanged base first): chr4-186617120-T-TC. GRCh37 (hg19) VCF-style: chr4-187538274-T-TC.
Other names: c.8959dupG (NM_005245.3); short protein forms E2987fs.
Identifiers: ClinVar variation 503905 (VCV000503905.2), dbSNP rs1553989050, ClinGen allele CA658796481.
Genomic context (GRCh38, chr4:186,617,120, plus strand): 5'-GCTTTTGATGAGAAGGTGCCATCAGTTGCCGTGATAGTAAGAAGGTAATTGTCCCTTTTT[T>TC]CCCTGTCTAGAGGTTTCTTCACATATACCTTCCATTCATTCTGTATAGTTTCAACGGCAA-3'